The following is an entry in ClinVar:

NM_012280.4(FTSJ1):c.241C>G (p.Pro81Ala)

Gene: FTSJ1 (FtsJ RNA 2'-O-methyltransferase 1; plus strand). Cytogenetic location: Xp11.23.
Variant type: single nucleotide variant.
Coding change: c.241C>G on transcript NM_012280.4 (MANE Select); coding-DNA position 241, C replaced by G.
Protein change: p.Pro81Ala; replaces proline 81 with alanine.
Molecular consequence: missense variant. On other transcripts: intron variant (1).
Genome position (GRCh38, 1-based): chrX:48,478,666, C>G. VCF-style: chrX-48478666-C-G. GRCh37 (hg19) VCF-style: chrX-48337054-C-G.
Other names: c.241C>G, p.Pro81Ala (NM_001441195.1, NM_001441196.1, NM_001441197.1 and 4 more transcripts); c.-76-372C>G (NM_001282157.2); short protein forms P81A.
Identifiers: ClinVar variation 1314054 (VCV001314054.2), dbSNP rs2147090823, ClinGen allele CA412854324.

ClinVar aggregate classification (germline): Uncertain significance (1 of 4 stars; one submission).

Submission:

GeneDx
Classification: Uncertain significance. Last evaluated: 2021-01-15. Review status: criteria provided, single submitter. Criteria: GeneDx Variant Classification Process June 2021. Collection method: clinical testing. Allele origin: germline. Affected: yes.
Comment: Not observed in large population cohorts (Lek et al., 2016); In silico analysis supports that this missense variant has a deleterious effect on protein structure/function; Has not been previously published as pathogenic or benign to our knowledge